The following is an entry in ClinVar:

NM_182961.4(SYNE1):c.9495A>G (p.Glu3165=)

Gene: SYNE1 (spectrin repeat containing nuclear envelope protein 1; minus strand). Cytogenetic location: 6q25.2.
Variant type: single nucleotide variant.
Coding change: c.9495A>G on transcript NM_182961.4 (MANE Select); coding-DNA position 9495, A replaced by G.
Protein change: p.Glu3165=; no amino-acid change (glutamic acid 3165 retained).
Molecular consequence: synonymous variant.
Genome position (GRCh38, 1-based): chr6:152,373,049, T>C on the plus strand (A>G on the coding strand, the complement: SYNE1 is on the minus strand). VCF-style: chr6-152373049-T-C. GRCh37 (hg19) VCF-style: chr6-152694184-T-C.
Other names: p.Glu3172=; c.9516A>G, p.Glu3172= (NM_033071.5).
Identifiers: ClinVar variation 130453 (VCV000130453.32), dbSNP rs6913579, ClinGen allele CA155496.

ClinVar aggregate classification (germline): Benign. Review status: criteria provided, multiple submitters, no conflicts (2 of 4 stars). 16 submissions from 13 submitters: Benign (12). 4 of the submissions do not count toward it. Last evaluated 2026-02-03.

Conditions:
Arthrogryposis multiplex congenita 3, myogenic type. Also called: ARTHROGRYPOSIS MULTIPLEX CONGENITA, MYOGENIC TYPE. Identifiers: MedGen C5193121, MONDO:0032778, OMIM 618484.
Emery-Dreifuss muscular dystrophy 4, autosomal dominant (EDMD4). Also called: EMERY-DREIFUSS MUSCULAR DYSTROPHY 4 WITH VARIABLE FEATURES. Identifiers: Orphanet 261, MedGen C2751807, MONDO:0013071, OMIM 612998.
Autosomal recessive ataxia, Beauce type. Also called: SYNE1 Deficiency; Spinocerebellar ataxia, autosomal recessive 8; ATAXIA, RECESSIVE, OF BEAUCE; SYNE1-Related Autosomal Recessive Cerebellar Ataxia. Identifiers: Orphanet 88644, MedGen C1853116, MONDO:0012549, OMIM 610743.

Allele frequency attached by ClinVar (database versions not stated): 1000 Genomes Project 0.46825; 1000 Genomes Project 30x 0.47564; TOPMed 0.51197; ESP Exome Variant Server 0.52883.
gnomAD v4.1: 860,897 of 1,613,334 alleles (53%); highest among the groups gnomAD compares: Non-Finnish European, 55%; 231,533 homozygotes.

Submissions (16):

Labcorp Genetics (formerly Invitae), Labcorp
Classification: Benign for Emery-Dreifuss muscular dystrophy 4, autosomal dominant; Autosomal recessive ataxia, Beauce type. Last evaluated: 2026-02-03. Review status: criteria provided, single submitter. Criteria: Invitae Variant Classification Sherloc (09022015). Collection method: clinical testing. Allele origin: germline.

Blueprint Genetics
Classification: Benign. Last evaluated: 2024-11-27. Review status: criteria provided, single submitter. Criteria: ACMG Guidelines, 2015. Collection method: clinical testing. Allele origin: germline.

Genome-Nilou Lab
Classification: Benign for Arthrogryposis multiplex congenita 3, myogenic type. Last evaluated: 2021-07-15. Review status: criteria provided, single submitter. Criteria: ACMG Guidelines, 2015. Collection method: clinical testing. Allele origin: germline. Affected: no.

Genome-Nilou Lab
Classification: Benign for Emery-Dreifuss muscular dystrophy 4, autosomal dominant. Last evaluated: 2021-07-15. Review status: criteria provided, single submitter. Criteria: ACMG Guidelines, 2015. Collection method: clinical testing. Allele origin: germline. Affected: no.

Genome-Nilou Lab
Classification: Benign for Autosomal recessive ataxia, Beauce type. Last evaluated: 2021-07-15. Review status: criteria provided, single submitter. Criteria: ACMG Guidelines, 2015. Collection method: clinical testing. Allele origin: germline. Affected: no.

Athena Diagnostics
Classification: Benign. Last evaluated: 2018-11-02. Review status: criteria provided, single submitter. Criteria: Athena Diagnostics Criteria. Collection method: clinical testing. Allele origin: germline.

Illumina Laboratory Services, Illumina
Classification: Benign for Emery-Dreifuss muscular dystrophy 4, autosomal dominant. Last evaluated: 2018-01-13. Review status: criteria provided, single submitter. Criteria: ICSL Variant Classification Criteria 13 December 2019. Collection method: clinical testing. Allele origin: germline.
Comment: This variant was observed in the ICSL laboratory as part of a predisposition screen in an ostensibly healthy population. It had not been previously curated by ICSL or reported in the Human Gene Mutation Database (HGMD: prior to June 1st, 2018), and was therefore a candidate for classification through an automated scoring system. Utilizing variant allele frequency, disease prevalence and penetrance estimates, and inheritance mode, an automated score was calculated to assess if this variant is too frequent to cause the disease. Based on the score and internal cut-off values, a variant classified as benign is not then subjected to further curation. The score for this variant resulted in a classification of benign for this disease.

Illumina Laboratory Services, Illumina
Classification: Benign for Autosomal recessive ataxia, Beauce type. Last evaluated: 2018-01-13. Review status: criteria provided, single submitter. Criteria: ICSL Variant Classification Criteria 13 December 2019. Collection method: clinical testing. Allele origin: germline.
Comment: the same text as in the submission from Illumina Laboratory Services, Illumina above.

Mayo Clinic Laboratories, Mayo Clinic
Classification: Benign. Last evaluated: 2017-07-24. Review status: criteria provided, single submitter. Criteria: ACMG Guidelines, 2015. Collection method: clinical testing. Allele origin: germline. Observed: 893 variant alleles.

Eurofins Ntd Llc (ga)
Classification: Benign. Last evaluated: 2016-08-15. Review status: criteria provided, single submitter. Criteria: EGL Classification Definitions 2015. Collection method: clinical testing. Allele origin: germline. Observed: 1 variant allele, 1 heterozygote.

GeneDx
Classification: Benign. Last evaluated: 2016-01-25. Review status: criteria provided, single submitter. Criteria: GeneDx Variant Classification (06012015). Collection method: clinical testing. Allele origin: germline. Affected: yes.
Comment: This variant is considered likely benign or benign based on one or more of the following criteria: it is a conservative change, it occurs at a poorly conserved position in the protein, it is predicted to be benign by multiple in silico algorithms, and/or has population frequency not consistent with disease.

PreventionGenetics, part of Exact Sciences
Classification: Benign. Review status: criteria provided, single submitter. Criteria: ACMG Guidelines, 2015. Collection method: clinical testing. Allele origin: germline.

Clinical Genetics DNA and cytogenetics Diagnostics Lab, Erasmus MC, Erasmus Medical Center
Classification: Benign. Review status: no assertion criteria provided. Collection method: clinical testing. Allele origin: germline. Affected: yes. Study: VKGL Data-share Consensus. Not counted in ClinVar's aggregate classification.

Clinical Genetics, Academic Medical Center
Classification: Benign. Review status: no assertion criteria provided. Collection method: clinical testing. Allele origin: germline. Affected: yes. Study: VKGL Data-share Consensus. Not counted in ClinVar's aggregate classification.

Genetic Services Laboratory, University of Chicago
Classification: Likely benign for AllHighlyPenetrant. Review status: no assertion criteria provided. Collection method: clinical testing. Allele origin: germline. Inheritance: Autosomal dominant inheritance. Not counted in ClinVar's aggregate classification.
Comment: Likely benign based on allele frequency in 1000 Genomes Project or ESP global frequency and its presence in a patient with a rare or unrelated disease phenotype. NOT Sanger confirmed.

Joint Genome Diagnostic Labs from Nijmegen and Maastricht, Radboudumc and MUMC+
Classification: Benign. Review status: no assertion criteria provided. Collection method: clinical testing. Allele origin: germline. Affected: yes. Study: VKGL Data-share Consensus. Not counted in ClinVar's aggregate classification.